The following is an entry in ClinVar:

NM_030665.4(RAI1):c.2450G>A (p.Gly817Glu)

Gene: RAI1 (retinoic acid induced 1; plus strand). Cytogenetic location: 17p11.2.
Variant type: single nucleotide variant.
Coding change: c.2450G>A on transcript NM_030665.4 (MANE Select); coding-DNA position 2450, G replaced by A.
Protein change: p.Gly817Glu; replaces glycine 817 with glutamic acid.
Molecular consequence: missense variant.
Genome position (GRCh38, 1-based): chr17:17,795,398, G>A. VCF-style: chr17-17795398-G-A. GRCh37 (hg19) VCF-style: chr17-17698712-G-A.
Other names: short protein forms G817E.
Identifiers: ClinVar variation 2998428 (VCV002998428.3), dbSNP rs776076377, ClinGen allele CA8418541.

ClinVar aggregate classification (germline): Uncertain significance (1 of 4 stars; one submission).

Allele frequency attached by ClinVar (database versions not stated): gnomAD exomes below 0.00001; gnomAD 0.00001; ExAC 0.00002; TOPMed 0.00002.
gnomAD v4.1: 4 of 1,591,418 alleles (0.00025%); highest among the groups gnomAD compares: East Asian, 0.0023%; no homozygotes.

Submission:

Labcorp Genetics (formerly Invitae), Labcorp
Classification: Uncertain significance. Last evaluated: 2025-10-20. Review status: criteria provided, single submitter. Criteria: Invitae Variant Classification Sherloc (09022015). Collection method: clinical testing. Allele origin: germline.
Comment: This sequence change replaces glycine, which is neutral and non-polar, with glutamic acid, which is acidic and polar, at codon 817 of the RAI1 protein (p.Gly817Glu). This variant is present in population databases (rs776076377, gnomAD 0.006%). This variant has not been reported in the literature in individuals affected with RAI1-related conditions. ClinVar contains an entry for this variant (Variation ID: 2998428). Invitae Evidence Modeling of protein sequence and biophysical properties (such as structural, functional, and spatial information, amino acid conservation, physicochemical variation, residue mobility, and thermodynamic stability) indicates that this missense variant is not expected to disrupt RAI1 protein function with a negative predictive value of 80%. In summary, the available evidence is currently insufficient to determine the role of this variant in disease. Therefore, it has been classified as a Variant of Uncertain Significance.